The following is an entry in ClinVar:

NM_025103.4(IFT74):c.289T>C (p.Tyr97His)

Gene: IFT74 (intraflagellar transport 74; plus strand). Cytogenetic location: 9p21.2.
Variant type: single nucleotide variant.
Coding change: c.289T>C on transcript NM_025103.4 (MANE Select); coding-DNA position 289, T replaced by C.
Protein change: p.Tyr97His; replaces tyrosine 97 with histidine.
Molecular consequence: missense variant.
Genome position (GRCh38, 1-based): chr9:26,980,603, T>C. VCF-style: chr9-26980603-T-C. GRCh37 (hg19) VCF-style: chr9-26980601-T-C.
Other names: c.289T>C, p.Tyr97His (NM_001099222.3, NM_001099223.3, NM_001099224.3 and 1 more transcripts); short protein forms Y97H.
Identifiers: ClinVar variation 4983770 (VCV004983770.1).

ClinVar aggregate classification (germline): Uncertain significance (1 of 4 stars; one submission).

Conditions:
IFT74-related disorder. Also called: IFT74-related condition; IFT74-Related Disorders.

gnomAD v4.1: 1 of 1,603,064 alleles (0.000062%); highest among the groups gnomAD compares: Non-Finnish European, 0.000085%; no homozygotes.

Submission:

PreventionGenetics, part of Exact Sciences
Classification: Uncertain significance for IFT74-related condition. Last evaluated: 2026-06-26. Review status: criteria provided, single submitter. Criteria: ACMG Guidelines, 2015. Collection method: clinical testing. Allele origin: germline.
Comment: The IFT74 c.289T>C variant is predicted to result in the amino acid substitution p.Tyr97His. To our knowledge, this variant has not been reported in the literature or in a large population database, indicating this variant is rare. At this time, the clinical significance of this variant is uncertain due to the absence of conclusive functional and genetic evidence.